The following is an entry in ClinVar:

NM_030631.4(SLC25A21):c.422G>A (p.Arg141Gln)

Gene: SLC25A21 (solute carrier family 25 member 21; minus strand). Cytogenetic location: 14q13.3.
Variant type: single nucleotide variant.
Coding change: c.422G>A on transcript NM_030631.4 (MANE Select); coding-DNA position 422, G replaced by A.
Protein change: p.Arg141Gln; replaces arginine 141 with glutamine.
Molecular consequence: missense variant.
Genome position (GRCh38, 1-based): chr14:36,725,586, C>T on the plus strand (G>A on the coding strand, the complement: SLC25A21 is on the minus strand). VCF-style: chr14-36725586-C-T. GRCh37 (hg19) VCF-style: chr14-37194791-C-T.
Other names: c.422G>A, p.Arg141Gln (NM_001171170.2); short protein forms R141Q.
Identifiers: ClinVar variation 2904145 (VCV002904145.3), dbSNP rs146491863, ClinGen allele CA7159306.

ClinVar aggregate classification (germline): Uncertain significance (1 of 4 stars; one submission).

Allele frequency attached by ClinVar (database versions not stated): gnomAD 0.00003; gnomAD exomes 0.00003; ExAC 0.00005; TOPMed 0.00006; ESP Exome Variant Server 0.00015; 1000 Genomes Project 0.00020; 1000 Genomes Project 30x 0.00031.

Submission:

Labcorp Genetics (formerly Invitae), Labcorp
Classification: Uncertain significance. Last evaluated: 2023-07-17. Review status: criteria provided, single submitter. Criteria: Invitae Variant Classification Sherloc (09022015). Collection method: clinical testing. Allele origin: germline.
Comment: This sequence change replaces arginine, which is basic and polar, with glutamine, which is neutral and polar, at codon 141 of the SLC25A21 protein (p.Arg141Gln). This variant is present in population databases (rs146491863, gnomAD 0.02%). This variant has not been reported in the literature in individuals affected with SLC25A21-related conditions. Advanced modeling of protein sequence and biophysical properties (such as structural, functional, and spatial information, amino acid conservation, physicochemical variation, residue mobility, and thermodynamic stability) performed at Invitae indicates that this missense variant is not expected to disrupt SLC25A21 protein function. Algorithms developed to predict the effect of sequence changes on RNA splicing suggest that this variant may disrupt the consensus splice site. In summary, the available evidence is currently insufficient to determine the role of this variant in disease. Therefore, it has been classified as a Variant of Uncertain Significance.